The following is an entry in ClinVar:

ClinVar aggregate classification (germline): Conflicting classifications of pathogenicity. Review status: criteria provided, conflicting classifications (1 of 4 stars). 4 submissions from 4 submitters: Uncertain significance (2); Likely benign (2). Last evaluated 2025-05-05.

Conditions:
RASA2-related disorder. Also called: RASA2-related condition.

Allele frequency attached by ClinVar (database versions not stated): gnomAD exomes 0.00001 and 0.00003; ExAC 0.00005; gnomAD 0.00014 and 0.00016; TOPMed 0.00014; ESP Exome Variant Server 0.00031.
gnomAD v4.1: 34 of 1,597,850 alleles (0.0021%); highest among the groups gnomAD compares: African/African-American, 0.039%; no homozygotes.

Submissions (4):

Ambry Genetics
Classification: Likely benign. Last evaluated: 2025-05-05. Review status: criteria provided, single submitter. Criteria: Ambry Variant Classification Scheme 2023. Collection method: clinical testing. Allele origin: germline.

Labcorp Genetics (formerly Invitae), Labcorp
Classification: Uncertain significance. Last evaluated: 2025-02-19. Review status: criteria provided, single submitter. Criteria: Invitae Variant Classification Sherloc (09022015). Collection method: clinical testing. Allele origin: germline.
Comment: This sequence change replaces valine, which is neutral and non-polar, with isoleucine, which is neutral and non-polar, at codon 654 of the RASA2 protein (p.Val654Ile). This variant is present in population databases (rs150847466, gnomAD 0.04%). This variant has not been reported in the literature in individuals affected with RASA2-related conditions. ClinVar contains an entry for this variant (Variation ID: 997906). An algorithm developed to predict the effect of missense changes on protein structure and function (PolyPhen-2) suggests that this variant is likely to be tolerated. In summary, the available evidence is currently insufficient to determine the role of this variant in disease. Therefore, it has been classified as a Variant of Uncertain Significance.

PreventionGenetics, part of Exact Sciences
Classification: Uncertain significance for RASA2-related condition. Last evaluated: 2022-10-04. Review status: criteria provided, single submitter. Criteria: ACMG Guidelines, 2015. Collection method: clinical testing. Allele origin: germline.
Comment: The RASA2 c.1972G>A variant is predicted to result in the amino acid substitution p.Val658Ile. To our knowledge, this variant has not been reported in the literature. This variant is reported in 0.042% of alleles in individuals of African descent in gnomAD. At this time, the clinical significance of this variant is uncertain due to the absence of conclusive functional and genetic evidence.

Women's Health and Genetics/Laboratory Corporation of America, LabCorp
Classification: Likely benign. Last evaluated: 2021-02-15. Review status: criteria provided, single submitter. Criteria: LabCorp Variant Classification Summary - May 2015. Collection method: clinical testing. Allele origin: germline.
Comment: Variant summary: RASA2 c.1960G>A (p.Val654Ile) results in a conservative amino acid change located in the RASA2, PH domain (IPR037773) of the encoded protein sequence. Four of five in-silico tools predict a benign effect of the variant on protein function. The variant allele was found at a frequency of 0.00014 in 150786 control chromosomes, predominantly at a frequency of 0.00048 within the African or African-American subpopulation in the gnomAD v3.1 database. The observed variant frequency within African or African-American control individuals in the gnomAD database is approximately 96-fold of the estimated maximal expected allele frequency for a pathogenic variant in RASA2 causing Noonan Syndrome phenotype (5e-06), strongly suggesting that the variant is a benign polymorphism found primarily in populations of African or African-American origin. To our knowledge, no occurrence of c.1960G>A in individuals affected with Noonan Syndrome and no experimental evidence demonstrating its impact on protein function have been reported. No clinical diagnostic laboratories have submitted clinical-significance assessments for this variant to ClinVar after 2014. Based on the evidence outlined above, the variant was classified as likely benign.

NM_006506.5(RASA2):c.1960G>A (p.Val654Ile)

Gene: RASA2 (RAS p21 protein activator 2; plus strand). Cytogenetic location: 3q23.
Variant type: single nucleotide variant.
Coding change: c.1960G>A on transcript NM_006506.5 (MANE Select); coding-DNA position 1960, G replaced by A.
Protein change: p.Val654Ile; replaces valine 654 with isoleucine.
Molecular consequence: missense variant.
Genome position (GRCh38, 1-based): chr3:141,607,704, G>A. VCF-style: chr3-141607704-G-A. GRCh37 (hg19) VCF-style: chr3-141326546-G-A.
Other names: c.1960G>A (NM_006506.2); c.1963G>A, p.Val655Ile (NM_001303245.3); c.1972G>A, p.Val658Ile (NM_001303246.3); c.1972G>A (NM_001303246.1); short protein forms V654I, V655I, V658I.
Identifiers: ClinVar variation 997906 (VCV000997906.8), dbSNP rs150847466, ClinGen allele CA2645694.